The following is an entry in ClinVar:

NM_001111.5(ADAR):c.1846G>T (p.Val616Phe)

Gene: ADAR (adenosine deaminase RNA specific; minus strand). Cytogenetic location: 1q21.3.
Variant type: single nucleotide variant.
Coding change: c.1846G>T on transcript NM_001111.5 (MANE Select); coding-DNA position 1846, G replaced by T.
Protein change: p.Val616Phe; replaces valine 616 with phenylalanine.
Molecular consequence: missense variant.
Genome position (GRCh38, 1-based): chr1:154,597,916, C>A on the plus strand (G>T on the coding strand, the complement: ADAR is on the minus strand). VCF-style: chr1-154597916-C-A. GRCh37 (hg19) VCF-style: chr1-154570392-C-A.
Other names: c.961G>T, p.Val321Phe (NM_001025107.3, NM_001193495.2, NM_001365046.1 and 3 more transcripts); c.1873G>T, p.Val625Phe (NM_001365045.1); c.1846G>T, p.Val616Phe (NM_015840.4, NM_015841.4); c.1846G>T (NM_001111.4); short protein forms V321F, V616F, V625F.
Identifiers: ClinVar variation 1490210 (VCV001490210.7), dbSNP rs570647049, ClinGen allele CA342638811.

ClinVar aggregate classification (germline): Uncertain significance (1 of 4 stars; one submission).

Conditions:
Symmetrical dyschromatosis of extremities (DSH). Also called: DYSCHROMATOSIS SYMMETRICA HEREDITARIA 1; RETICULATE ACROPIGMENTATION OF DOHI; SYMMETRIC DYSCHROMATOSIS OF THE EXTREMITIES; Dyschromatosis symmetrica hereditaria. Identifiers: Orphanet 41, MedGen C0406775, MONDO:0007483, OMIM 127400.
Aicardi-Goutieres syndrome 6 (AGS6). Identifiers: Orphanet 51, MedGen C3539013, MONDO:0014007, OMIM 615010.

gnomAD v4.1: 2 of 1,614,034 alleles (0.00012%); highest among the groups gnomAD compares: Non-Finnish European, 0.00017%; no homozygotes.

Submission:

Labcorp Genetics (formerly Invitae), Labcorp
Classification: Uncertain significance for Aicardi-Goutieres syndrome 6; Symmetrical dyschromatosis of extremities. Last evaluated: 2021-10-27. Review status: criteria provided, single submitter. Criteria: Invitae Variant Classification Sherloc (09022015). Collection method: clinical testing. Allele origin: germline.
Comment: In summary, the available evidence is currently insufficient to determine the role of this variant in disease. Therefore, it has been classified as a Variant of Uncertain Significance. Algorithms developed to predict the effect of missense changes on protein structure and function are either unavailable or do not agree on the potential impact of this missense change (SIFT: "Deleterious"; PolyPhen-2: "Probably Damaging"; Align-GVGD: "Class C0"). This variant has not been reported in the literature in individuals affected with ADAR-related conditions. This variant is not present in population databases (gnomAD no frequency). This sequence change replaces valine, which is neutral and non-polar, with phenylalanine, which is neutral and non-polar, at codon 616 of the ADAR protein (p.Val616Phe).